The following is an entry in ClinVar:

ClinVar aggregate classification (germline): Uncertain significance. Review status: criteria provided, multiple submitters, no conflicts (2 of 4 stars). 2 submissions from 2 submitters: Uncertain significance (2). Last evaluated 2025-04-10.

Conditions:
Inborn genetic diseases. Identifiers: MedGen C0950123, MeSH D030342.

Submissions (2):

Ambry Genetics
Classification: Uncertain significance for Inborn genetic diseases. Last evaluated: 2025-04-10. Review status: criteria provided, single submitter. Criteria: Ambry Variant Classification Scheme 2023. Collection method: clinical testing. Allele origin: germline.

GeneDx
Classification: Uncertain significance. Last evaluated: 2024-08-27. Review status: criteria provided, single submitter. Criteria: GeneDx Variant Classification Process June 2021. Collection method: clinical testing. Allele origin: germline. Affected: yes.
Comment: Not observed at significant frequency in large population cohorts (gnomAD); In silico analysis supports that this missense variant has a deleterious effect on protein structure/function; Has not been previously published as pathogenic or benign to our knowledge

NM_002576.5(PAK1):c.1570G>C (p.Ala524Pro)

Gene: PAK1 (p21 (RAC1) activated kinase 1; minus strand). Cytogenetic location: 11q13.5.
Variant type: single nucleotide variant.
Coding change: c.1570G>C on transcript NM_002576.5 (MANE Select); coding-DNA position 1570, G replaced by C.
Protein change: p.Ala524Pro; replaces alanine 524 with proline.
Molecular consequence: missense variant. On other transcripts: non-coding transcript variant (2), intron variant (1).
Genome position (GRCh38, 1-based): chr11:77,323,342, C>G on the plus strand (G>C on the coding strand, the complement: PAK1 is on the minus strand). VCF-style: chr11-77323342-C-G. GRCh37 (hg19) VCF-style: chr11-77034387-C-G.
Other names: c.1619G>C, p.Cys540Ser (NM_001128620.2, NM_001376268.1, NM_001376269.1 and 2 more transcripts); c.1591G>C, p.Ala531Pro (NM_001376272.1); c.1570G>C, p.Ala524Pro (NM_001376273.1, NM_001376274.1, NM_001376275.1 and 12 more transcripts); c.1481G>C, p.Cys494Ser (NM_001376289.1); c.1447G>C, p.Ala483Pro (NM_001376290.1, NM_001376291.1); c.1432G>C, p.Ala478Pro (NM_001376292.1, NM_001376293.1); c.1423G>C, p.Ala475Pro (NM_001376294.1); c.1393G>C, p.Ala465Pro (NM_001376295.1); and 5 more; short protein forms A426P, A428P, A441P, A465P, A475P, A478P, A483P, A524P.
Identifiers: ClinVar variation 3766095 (VCV003766095.2).